The following is an entry in ClinVar:

ClinVar aggregate classification (germline): Likely benign. Review status: criteria provided, multiple submitters, no conflicts (2 of 4 stars). 3 submissions from 3 submitters: Likely benign (3). Last evaluated 2025-02-16.

Conditions:
Inborn genetic diseases. Identifiers: MedGen C0950123, MeSH D030342.
Wilms tumor 1 (WT1). Also called: Wilms tumor, somatic. Identifiers: Orphanet 654, MedGen CN033288, MONDO:0008679, OMIM 194070.
Frasier syndrome. Identifiers: Orphanet 347, MedGen C0950122, MeSH D052159, MONDO:0007635, OMIM 136680.
Drash syndrome (DDS). Also called: NEPHROPATHY, WILMS TUMOR, AND GENITAL ANOMALIES; WILMS TUMOR AND PSEUDO- OR TRUE HERMAPHRODITISM. Identifiers: Orphanet 220, MedGen C0950121, MONDO:0008682, OMIM 194080.
11p partial monosomy syndrome (WAGR). Also called: WAGR Spectrum Disorder; CHROMOSOME 11p13 DELETION SYNDROME; WAGR syndrome; WAGR Complex. Identifiers: Orphanet 893, MedGen C0206115, MONDO:0008681, OMIM 194072.

Allele frequency attached by ClinVar (database versions not stated): gnomAD exomes below 0.00001 and 0.00001; TOPMed below 0.00001.
gnomAD v4.1: 4 of 1,612,994 alleles (0.00025%); highest among the groups gnomAD compares: Admixed American, 0.0017%; no homozygotes.

Submissions (3):

Ambry Genetics
Classification: Likely benign for Inborn genetic diseases. Last evaluated: 2025-02-16. Review status: criteria provided, single submitter. Criteria: Ambry Variant Classification Scheme 2023. Collection method: clinical testing. Allele origin: germline.

Labcorp Genetics (formerly Invitae), Labcorp
Classification: Likely benign for Wilms tumor 1; Drash syndrome; 11p partial monosomy syndrome; Frasier syndrome. Last evaluated: 2024-12-02. Review status: criteria provided, single submitter. Criteria: Invitae Variant Classification Sherloc (09022015). Collection method: clinical testing. Allele origin: germline.

All of Us Research Program, National Institutes of Health
Classification: Likely benign for Wilms tumor 1. Last evaluated: 2023-12-01. Review status: criteria provided, single submitter. Criteria: ACMG Guidelines, 2015. Collection method: clinical testing. Allele origin: germline. Inheritance: Autosomal dominant inheritance. Observed: 3 variant alleles, 3 heterozygotes.
Comment: This study involves interpretation of variants in research participants for the purpose of population health screening. Participant phenotype was not available at the time of variant classification. Additional details can be found in publication PMID: 35346344, PMCID: PMC8962531

NM_024426.6(WT1):c.619C>T (p.Leu207=)

Genes: WT1 (WT1 transcription factor; minus strand), LOC107982234 (WT1/WT1-AS bi-directional promoter region; plus strand). Cytogenetic location: 11p13.
Variant type: single nucleotide variant.
Coding change: c.619C>T on transcript NM_024426.6 (MANE Select); coding-DNA position 619, C replaced by T.
Protein change: p.Leu207=; no amino-acid change (leucine 207 retained).
Molecular consequence: synonymous variant. On other transcripts: non-coding transcript variant (1).
Genome position (GRCh38, 1-based): chr11:32,434,742, G>A on the plus strand (C>T on the coding strand, the complement: WT1 is on the minus strand). VCF-style: chr11-32434742-G-A. GRCh37 (hg19) VCF-style: chr11-32456288-G-A.
Other names: c.619C>T, p.Leu207= (NM_000378.6, NM_024424.5).
Identifiers: ClinVar variation 414083 (VCV000414083.19), dbSNP rs1060504180, ClinGen allele CA16613367.